The following is an entry in ClinVar:

ClinVar aggregate classification (germline): Uncertain significance (1 of 4 stars; one submission).

Allele frequency attached by ClinVar (database versions not stated): TOPMed below 0.00001.

Submission:

Ambry Genetics
Classification: Uncertain significance. Last evaluated: 2023-11-04. Review status: criteria provided, single submitter. Criteria: Ambry Variant Classification Scheme 2023. Collection method: clinical testing. Allele origin: germline.
Comment: The p.A1198T variant (also known as c.3592G>A), located in coding exon 29 of the A2ML1 gene, results from a G to A substitution at nucleotide position 3592. The alanine at codon 1198 is replaced by threonine, an amino acid with similar properties. This amino acid position is conserved. In addition, this alteration is predicted to be tolerated by in silico analysis. Since supporting evidence is limited at this time, the clinical significance of this alteration remains unclear.

NM_144670.6(A2ML1):c.3592G>A (p.Ala1198Thr)

Gene: A2ML1 (alpha-2-macroglobulin like 1; plus strand). Cytogenetic location: 12p13.31.
Variant type: single nucleotide variant.
Coding change: c.3592G>A on transcript NM_144670.6 (MANE Select); coding-DNA position 3592, G replaced by A.
Protein change: p.Ala1198Thr; replaces alanine 1198 with threonine.
Molecular consequence: missense variant.
Genome position (GRCh38, 1-based): chr12:8,863,883, G>A. VCF-style: chr12-8863883-G-A. GRCh37 (hg19) VCF-style: chr12-9016479-G-A.
Other names: c.2119G>A, p.Ala707Thr (NM_001282424.3); short protein forms A1198T, A707T.
Identifiers: ClinVar variation 3229206 (VCV003229206.1), dbSNP rs1944352966, ClinGen allele CA383842080.